The following is an entry in ClinVar:

NM_181507.2(HPS5):c.1379G>T (p.Gly460Val)

Gene: HPS5 (HPS5 biogenesis of lysosomal organelles complex 2 subunit 2; minus strand). Cytogenetic location: 11p15.1.
Variant type: single nucleotide variant.
Coding change: c.1379G>T on transcript NM_181507.2 (MANE Select); coding-DNA position 1379, G replaced by T.
Protein change: p.Gly460Val; replaces glycine 460 with valine.
Molecular consequence: missense variant.
Genome position (GRCh38, 1-based): chr11:18,296,929, C>A on the plus strand (G>T on the coding strand, the complement: HPS5 is on the minus strand). VCF-style: chr11-18296929-C-A. GRCh37 (hg19) VCF-style: chr11-18318476-C-A.
Other names: c.1037G>T, p.Gly346Val (NM_007216.4, NM_181508.2); short protein forms G460V, G346V.
Identifiers: ClinVar variation 1436683 (VCV001436683.5), dbSNP rs563393844, ClinGen allele CA5910145.

ClinVar aggregate classification (germline): Uncertain significance. Review status: criteria provided, multiple submitters, no conflicts (2 of 4 stars). 3 submissions from 3 submitters: Uncertain significance (3). Last evaluated 2025-04-27.

Conditions:
Inborn genetic diseases. Identifiers: MedGen C0950123, MeSH D030342.

Allele frequency attached by ClinVar (database versions not stated): gnomAD exomes 0.00003 and 0.00010; gnomAD 0.00007 and 0.00008; TOPMed 0.00008; ExAC 0.00009; 1000 Genomes Project 0.00020; 1000 Genomes Project 30x 0.00031.
gnomAD v4.1: 59 of 1,609,548 alleles (0.0037%); highest among the groups gnomAD compares: Admixed American, 0.067%; no homozygotes.

Submissions (3):

Ambry Genetics
Classification: Uncertain significance for Inborn genetic diseases. Last evaluated: 2025-04-27. Review status: criteria provided, single submitter. Criteria: Ambry Variant Classification Scheme 2023. Collection method: clinical testing. Allele origin: germline.

Labcorp Genetics (formerly Invitae), Labcorp
Classification: Uncertain significance. Last evaluated: 2022-10-17. Review status: criteria provided, single submitter. Criteria: Invitae Variant Classification Sherloc (09022015). Collection method: clinical testing. Allele origin: germline.
Comment: This sequence change replaces glycine, which is neutral and non-polar, with valine, which is neutral and non-polar, at codon 460 of the HPS5 protein (p.Gly460Val). This variant is present in population databases (rs563393844, gnomAD 0.06%). This variant has not been reported in the literature in individuals affected with HPS5-related conditions. ClinVar contains an entry for this variant (Variation ID: 1436683). Algorithms developed to predict the effect of missense changes on protein structure and function are either unavailable or do not agree on the potential impact of this missense change (SIFT: "Deleterious"; PolyPhen-2: "Probably Damaging"; Align-GVGD: "Class C0"). In summary, the available evidence is currently insufficient to determine the role of this variant in disease. Therefore, it has been classified as a Variant of Uncertain Significance.

Women's Health and Genetics/Laboratory Corporation of America, LabCorp
Classification: Uncertain significance. Last evaluated: 2022-03-08. Review status: criteria provided, single submitter. Criteria: LabCorp Variant Classification Summary - May 2015. Collection method: clinical testing. Allele origin: germline.
Comment: Variant summary: HPS5 c.1379G>T (p.Gly460Val) results in a non-conservative amino acid change in the encoded protein sequence. Four of five in-silico tools predict a damaging effect of the variant on protein function. The variant allele was found at a frequency of 0.0001 in 251396 control chromosomes. This frequency is not significantly higher than expected for a pathogenic variant in HPS5 causing Hermansky-Pudlak Syndrome (0.0001 vs 0.00047), allowing no conclusion about variant significance. To our knowledge, no occurrence of c.1379G>T in individuals affected with Hermansky-Pudlak Syndrome and no experimental evidence demonstrating its impact on protein function have been reported. No clinical diagnostic laboratories have submitted clinical-significance assessments for this variant to ClinVar after 2014. Based on the evidence outlined above, the variant was classified as uncertain significance.